The following is an entry in ClinVar:

NM_019055.6(ROBO4):c.381C>T (p.Gly127=)

Gene: ROBO4 (roundabout guidance receptor 4; minus strand). Cytogenetic location: 11q24.2.
Variant type: single nucleotide variant.
Coding change: c.381C>T on transcript NM_019055.6 (MANE Select); coding-DNA position 381, C replaced by T.
Protein change: p.Gly127=; no amino-acid change (glycine 127 retained).
Molecular consequence: synonymous variant. On other transcripts: 5 prime UTR variant (1).
Genome position (GRCh38, 1-based): chr11:124,896,951, G>A on the plus strand (C>T on the coding strand, the complement: ROBO4 is on the minus strand). VCF-style: chr11-124896951-G-A. GRCh37 (hg19) VCF-style: chr11-124766847-G-A.
Other names: c.-55C>T (NM_001301088.2).
Identifiers: ClinVar variation 3352132 (VCV003352132.1).
Genomic context (GRCh38, chr11:124,896,951, plus strand): 5'-CCAGGTTTGCCCCACCCTGAAGCTCCCCTCCCAGGCCTCACCAGCCACAGACAGCCGAGC[G>A]CCTCTGCTGACTGCCGTGCCAAGCCGGTTGCTGGCCTCACATGTGTAGACACCCAGGTCT-3'
Protein context (NP_061928.4, residues 117-137): SNRLGTAVSR[Gly127=]ARLSVAVLRE

ClinVar aggregate classification (germline): Uncertain significance (0 of 4 stars; one submission).

Conditions:
ROBO4-related disorder. Also called: ROBO4-related condition.

gnomAD v4.1: 41 of 1,612,974 alleles (0.0025%); highest among the groups gnomAD compares: Admixed American, 0.035%; no homozygotes.

Submission:

PreventionGenetics, part of Exact Sciences
Classification: Uncertain significance for ROBO4-related condition. Last evaluated: 2024-09-10. Review status: no assertion criteria provided. Collection method: clinical testing. Allele origin: germline.
Comment: The ROBO4 c.381C>T variant is not predicted to result in an amino acid change (p.=). This variant is predicted to alter splicing based on available splicing prediction programs (SpliceAI, Jaganathan et al. 2019. PubMed ID: 30661751). However, the use of computer prediction programs is not equivalent to functional evidence. To our knowledge, this variant has not been reported in the literature. This variant is reported in 0.048% of alleles in individuals of Latino descent in gnomAD. Although we suspect that this variant may be benign, at this time, the clinical significance of this variant is uncertain due to the absence of conclusive functional and genetic evidence.